The following is an entry in ClinVar:

NM_024757.5(EHMT1):c.2712+1G>C

Gene: EHMT1 (euchromatic histone lysine methyltransferase 1; plus strand). Cytogenetic location: 9q34.3.
Variant type: single nucleotide variant.
Coding change: c.2712+1G>C on transcript NM_024757.5 (MANE Select); the canonical splice donor site of the intron after coding-DNA position 2712, G replaced by C.
Molecular consequence: splice donor variant.
Genome position (GRCh38, 1-based): chr9:137,800,985, G>C. VCF-style: chr9-137800985-G-C. GRCh37 (hg19) VCF-style: chr9-140695437-G-C.
Other names: c.2691+1G>C (NM_001354263.2).
Identifiers: ClinVar variation 421468 (VCV000421468.2), dbSNP rs1057518849, ClinGen allele CA16618819.

ClinVar aggregate classification (germline): Likely pathogenic (1 of 4 stars; one submission).

Submission:

GeneDx
Classification: Likely pathogenic. Last evaluated: 2016-06-14. Review status: criteria provided, single submitter. Criteria: GeneDx Variant Classification (06012015). Collection method: clinical testing. Allele origin: germline. Affected: yes.
Comment: The c.2712+1G>C likely pathogenic variant in the EHMT1 gene has not been reported previously as a pathogenic variant nor as a benign variant, to our knowledge. This splice site variant destroys the canonical splice donor site in intron 18 and results in the deletion of the the ANK 5 repeat domain. It is predicted to cause abnormal gene splicing, either leading to an abnormal message that is subject to nonsense-mediated mRNA decay, or to an abnormal protein product if the message is used for protein translation. The c.2712+1G>C variant was not observed in approximately 6500 individuals of European and African American ancestry in the NHLBI Exome Sequencing Project, indicating it is not a common benign variant in these populations.